The following is an entry in ClinVar:

ClinVar aggregate classification (germline): Uncertain significance (1 of 4 stars; one submission).

Submission:

CeGaT Center for Human Genetics Tuebingen
Classification: Uncertain significance. Last evaluated: 2024-12-01. Review status: criteria provided, single submitter. Criteria: CeGaT Center For Human Genetics Tuebingen Variant Classification Criteria Version 2. Collection method: clinical testing. Allele origin: germline. Affected: yes. Observed: 1 variant allele.
Comment: CAMTA1: PM2, BP4

NM_015215.4(CAMTA1):c.2357G>C (p.Gly786Ala)

Gene: CAMTA1 (calmodulin binding transcription activator 1; plus strand). Cytogenetic location: 1p36.23.
Variant type: single nucleotide variant.
Coding change: c.2357G>C on transcript NM_015215.4 (MANE Select); coding-DNA position 2357, G replaced by C.
Protein change: p.Gly786Ala; replaces glycine 786 with alanine.
Molecular consequence: missense variant.
Genome position (GRCh38, 1-based): chr1:7,664,904, G>C. VCF-style: chr1-7664904-G-C. GRCh37 (hg19) VCF-style: chr1-7724964-G-C.
Other names: c.2267G>C, p.Gly756Ala (NM_001349608.2, NM_001349612.2); c.2357G>C, p.Gly786Ala (NM_001349609.2, NM_001349610.2, NM_001410737.1); c.2285G>C, p.Gly762Ala (NM_001410738.1); short protein forms G756A, G762A, G786A.
Identifiers: ClinVar variation 3772074 (VCV003772074.13).